The following is an entry in ClinVar:

NM_015102.5(NPHP4):c.3032A>G (p.Asn1011Ser)

Gene: NPHP4 (nephrocystin 4; minus strand). Cytogenetic location: 1p36.31.
Variant type: single nucleotide variant.
Coding change: c.3032A>G on transcript NM_015102.5 (MANE Select); coding-DNA position 3032, A replaced by G.
Protein change: p.Asn1011Ser; replaces asparagine 1011 with serine.
Molecular consequence: missense variant. On other transcripts: non-coding transcript variant (1).
Genome position (GRCh38, 1-based): chr1:5,874,886, T>C on the plus strand (A>G on the coding strand, the complement: NPHP4 is on the minus strand). VCF-style: chr1-5874886-T-C. GRCh37 (hg19) VCF-style: chr1-5934946-T-C.
Other names: c.1493A>G, p.Asn498Ser (NM_001291593.2); c.1496A>G, p.Asn499Ser (NM_001291594.2); c.3032A>G (NM_015102.3); short protein forms N1011S, N498S, N499S.
Identifiers: ClinVar variation 1055326 (VCV001055326.8), dbSNP rs369529384, ClinGen allele CA553842.

ClinVar aggregate classification (germline): Uncertain significance. Review status: criteria provided, multiple submitters, no conflicts (2 of 4 stars). 3 submissions from 3 submitters: Uncertain significance (3). Last evaluated 2025-08-26.

Conditions:
Nephronophthisis. Also called: Juvenile Nephronophthisis. Identifiers: Orphanet 655, MedGen C0687120, MONDO:0019005, HP:0000090.
Nephronophthisis 4 (NPHP4). Also called: NEPHRONOPHTHISIS 4, JUVENILE. Identifiers: Orphanet 655, MedGen C1847013, MONDO:0011752, OMIM 606966.
Senior-Loken syndrome 4 (SLSN4). Identifiers: Orphanet 3156, MedGen C1846979, MONDO:0011756, OMIM 606996.
Inborn genetic diseases. Identifiers: MedGen C0950123, MeSH D030342.

Allele frequency attached by ClinVar (database versions not stated): ExAC 0.00002; gnomAD 0.00002; gnomAD exomes 0.00002; TOPMed 0.00002; ESP Exome Variant Server 0.00016.
gnomAD v4.1: 31 of 1,611,304 alleles (0.0019%); highest among the groups gnomAD compares: African/African-American, 0.0014%; no homozygotes.

Submissions (3):

Ambry Genetics
Classification: Uncertain significance for Inborn genetic diseases. Last evaluated: 2025-08-26. Review status: criteria provided, single submitter. Criteria: Ambry Variant Classification Scheme 2023. Collection method: clinical testing. Allele origin: germline.

Fulgent Genetics
Classification: Uncertain significance for Nephronophthisis 4; Senior-Loken syndrome 4. Last evaluated: 2022-01-12. Review status: criteria provided, single submitter. Criteria: ACMG Guidelines, 2015. Collection method: clinical testing. Allele origin: unknown.

Labcorp Genetics (formerly Invitae), Labcorp
Classification: Uncertain significance for Nephronophthisis. Last evaluated: 2021-08-31. Review status: criteria provided, single submitter. Criteria: Invitae Variant Classification Sherloc (09022015). Collection method: clinical testing. Allele origin: germline.
Comment: This sequence change replaces asparagine with serine at codon 1011 of the NPHP4 protein (p.Asn1011Ser). The asparagine residue is weakly conserved and there is a small physicochemical difference between asparagine and serine. This variant is present in population databases (rs369529384, ExAC 0.01%). This variant has not been reported in the literature in individuals affected with NPHP4-related conditions. Algorithms developed to predict the effect of missense changes on protein structure and function output the following: SIFT: "Tolerated"; PolyPhen-2: "Benign"; Align-GVGD: "Class C0". The serine amino acid residue is found in multiple mammalian species, which suggests that this missense change does not adversely affect protein function. In summary, the available evidence is currently insufficient to determine the role of this variant in disease. Therefore, it has been classified as a Variant of Uncertain Significance.